The following is an entry in ClinVar:

NM_001032283.3(TMPO):c.565+2136T>C

Gene: TMPO (thymopoietin; plus strand). Cytogenetic location: 12q23.1.
Variant type: single nucleotide variant.
Coding change: c.565+2136T>C on transcript NM_001032283.3 (MANE Select); 2136 bases into the intron after coding-DNA position 565, T replaced by C.
Molecular consequence: intron variant. On other transcripts: missense variant (1).
Genome position (GRCh38, 1-based): chr12:98,533,974, T>C. VCF-style: chr12-98533974-T-C. GRCh37 (hg19) VCF-style: chr12-98927752-T-C.
Other names: c.1717T>C, p.Tyr573His (NM_003276.2); c.565+2136T>C (NM_001307975.2, NM_001032284.3); short protein forms Y573H.
Identifiers: ClinVar variation 3223169 (VCV003223169.1), dbSNP rs1024606476, ClinGen allele CA386153790.

ClinVar aggregate classification (germline): Uncertain significance (1 of 4 stars; one submission).

gnomAD v4.1: 3 of 1,610,540 alleles (0.00019%); highest among the groups gnomAD compares: Middle Eastern, 0.017%; no homozygotes.

Submission:

Ambry Genetics
Classification: Uncertain significance. Last evaluated: 2023-11-30. Review status: criteria provided, single submitter. Criteria: Ambry Variant Classification Scheme 2023. Collection method: clinical testing. Allele origin: germline.
Comment: The p.Y573H variant (also known as c.1717T>C), located in coding exon 4 of the TMPO gene, results from a T to C substitution at nucleotide position 1717. The tyrosine at codon 573 is replaced by histidine, an amino acid with similar properties. This amino acid position is conserved. In addition, the in silico prediction for this alteration is inconclusive. Since supporting evidence is limited at this time, the clinical significance of this alteration remains unclear.